The following is an entry in ClinVar:

NM_002381.5(MATN3):c.531G>C (p.Glu177Asp)

Gene: MATN3 (matrilin 3; minus strand). Cytogenetic location: 2p24.1.
Variant type: single nucleotide variant.
Coding change: c.531G>C on transcript NM_002381.5 (MANE Select); coding-DNA position 531, G replaced by C.
Protein change: p.Glu177Asp; replaces glutamic acid 177 with aspartic acid.
Molecular consequence: missense variant.
Genome position (GRCh38, 1-based): chr2:20,006,003, C>G on the plus strand (G>C on the coding strand, the complement: MATN3 is on the minus strand). VCF-style: chr2-20006003-C-G. GRCh37 (hg19) VCF-style: chr2-20205764-C-G.
Other names: short protein forms E177D.
Identifiers: ClinVar variation 5040673 (VCV005040673.1).

ClinVar aggregate classification (germline): Uncertain significance (1 of 4 stars; one submission).

Submission:

CeGaT Center for Human Genetics Tuebingen
Classification: Uncertain significance. Last evaluated: 2026-08-01. Review status: criteria provided, single submitter. Criteria: CeGaT Center For Human Genetics Tuebingen Variant Classification Criteria Version 2. Collection method: clinical testing. Allele origin: germline. Affected: yes. Observed: 1 variant allele.
Comment: MATN3: PM2, BP4